The following is an entry in ClinVar:

NM_001165963.4(SCN1A):c.3236T>C (p.Val1079Ala)

Genes: SCN1A (sodium voltage-gated channel alpha subunit 1; minus strand), LOC102724058 (uncharacterized LOC102724058; plus strand). Cytogenetic location: 2q24.3.
Variant type: single nucleotide variant.
Coding change: c.3236T>C on transcript NM_001165963.4 (MANE Select); coding-DNA position 3236, T replaced by C.
Protein change: p.Val1079Ala; replaces valine 1079 with alanine.
Molecular consequence: missense variant. On other transcripts: non-coding transcript variant (2).
Genome position (GRCh38, 1-based): chr2:166,036,241, A>G on the plus strand (T>C on the coding strand, the complement: SCN1A is on the minus strand). VCF-style: chr2-166036241-A-G. GRCh37 (hg19) VCF-style: chr2-166892751-A-G.
Other names: c.3152T>C, p.Val1051Ala (NM_001165964.3, NM_001353957.2, NM_001353958.2); c.3236T>C, p.Val1079Ala (NM_001202435.3, NM_001353948.2); c.3203T>C, p.Val1068Ala (NM_001353949.2, NM_001353950.2, NM_001353951.2 and 2 more transcripts); c.3200T>C, p.Val1067Ala (NM_001353954.2, NM_001353955.2); c.3149T>C, p.Val1050Ala (NM_001353960.2); c.794T>C, p.Val265Ala (NM_001353961.2); short protein forms V1050A, V1051A, V1067A, V1068A, V1079A, V265A.
Identifiers: ClinVar variation 5017333 (VCV005017333.1).
Genomic context (GRCh38, chr2:166,036,241, plus strand): 5'-TCATCAATAATGTATTTTTCAACACTGCTGCCAGTTCCTATACCACTTGTAGTTCCATTT[A>G]CATCTTTAAGATAGTCAAGATCTTTCCCAATTTCTGCTGTATGATTGGACATACAACTGT-3'
Protein context (NP_001159435.1, residues 1069-1089): IGKDLDYLKD[Val1079Ala]NGTTSGIGTG

ClinVar aggregate classification (germline): Uncertain significance (1 of 4 stars; one submission).

gnomAD v4.1: 5 of 1,613,900 alleles (0.00031%); highest among the groups gnomAD compares: South Asian, 0.0022%; no homozygotes.

Submission:

GeneDx
Classification: Uncertain significance. Last evaluated: 2026-03-23. Review status: criteria provided, single submitter. Criteria: GeneDx Variant Classification Process June 2021. Collection method: clinical testing. Allele origin: germline.
Comment: Not observed at significant frequency in large population cohorts (gnomAD); In silico analysis suggests that this missense variant does not alter protein structure/function; Has not been previously published as pathogenic or benign to our knowledge; This substitution is predicted to be within the cytoplasmic loop between the second and third homologous domains